The following is an entry in ClinVar:

ClinVar aggregate classification (germline): Uncertain significance. Review status: criteria provided, multiple submitters, no conflicts (2 of 4 stars). 3 submissions from 3 submitters: Uncertain significance (3). Last evaluated 2025-04-29.

Conditions:
Myopia 6 (MYP6). Identifiers: MedGen C1837148, MONDO:0012154, OMIM 608908.
Cardioencephalomyopathy, fatal infantile, due to cytochrome c oxidase deficiency 1 (MC4DN2). Also called: CYTOCHROME c OXIDASE DEFICIENCY, FATAL INFANTILE, WITH CARDIOENCEPHALOMYOPATHY; MITOCHONDRIAL COMPLEX IV DEFICIENCY, NUCLEAR TYPE 2. Identifiers: Orphanet 1561, MedGen C5399977, MONDO:0011451, OMIM 604377.

Allele frequency attached by ClinVar (database versions not stated): gnomAD exomes 0.00006 and 0.00022; gnomAD 0.00009 and 0.00010; 1000 Genomes Project 0.00040; TOPMed 0.00017; 1000 Genomes Project 30x 0.00031; ExAC 0.00022.
gnomAD v4.1: 99 of 1,613,624 alleles (0.0061%); highest among the groups gnomAD compares: Admixed American, 0.12%; no homozygotes.

Submissions (3):

GeneDx
Classification: Uncertain significance. Last evaluated: 2025-04-29. Review status: criteria provided, single submitter. Criteria: GeneDx Variant Classification Process June 2021. Collection method: clinical testing. Allele origin: germline.
Comment: Has not been previously published as pathogenic or benign to our knowledge; In silico analysis supports that this missense variant has a deleterious effect on protein structure/function

Labcorp Genetics (formerly Invitae), Labcorp
Classification: Uncertain significance. Last evaluated: 2025-01-15. Review status: criteria provided, single submitter. Criteria: Invitae Variant Classification Sherloc (09022015). Collection method: clinical testing. Allele origin: germline.
Comment: This sequence change replaces arginine, which is basic and polar, with cysteine, which is neutral and slightly polar, at codon 262 of the SCO2 protein (p.Arg262Cys). This variant is present in population databases (rs201174948, gnomAD 0.1%). This variant has not been reported in the literature in individuals affected with SCO2-related conditions. ClinVar contains an entry for this variant (Variation ID: 1523095). An algorithm developed to predict the effect of missense changes on protein structure and function (PolyPhen-2) suggests that this variant¬†is likely to be tolerated. In summary, the available evidence is currently insufficient to determine the role of this variant in disease. Therefore, it has been classified as a Variant of Uncertain Significance.

Fulgent Genetics
Classification: Uncertain significance for Cardioencephalomyopathy, fatal infantile, due to cytochrome c oxidase deficiency 1; Myopia 6. Last evaluated: 2022-01-19. Review status: criteria provided, single submitter. Criteria: ACMG Guidelines, 2015. Collection method: clinical testing. Allele origin: unknown.

NM_005138.3(SCO2):c.784C>T (p.Arg262Cys)

Genes: NCAPH2 (non-SMC condensin II complex subunit H2; plus strand), SCO2 (synthesis of cytochrome C oxidase 2; minus strand). Cytogenetic location: 22q13.33.
Variant type: single nucleotide variant.
Coding change: c.784C>T on transcript NM_005138.3 (MANE Select); coding-DNA position 784, C replaced by T.
Protein change: p.Arg262Cys; replaces arginine 262 with cysteine.
Molecular consequence: missense variant. On other transcripts: 3 prime UTR variant (2).
Genome position (GRCh38, 1-based): chr22:50,523,628, G>A on the plus strand (C>T on the coding strand, the complement: SCO2 is on the minus strand). VCF-style: chr22-50523628-G-A. GRCh37 (hg19) VCF-style: chr22-50962057-G-A.
Other names: c.*253G>A (NM_001185011.2, NM_152299.4); c.784C>T, p.Arg262Cys (NM_001169109.2, NM_001169110.1, NM_001169111.2); c.784C>T (NM_005138.2); short protein forms R262C.
Identifiers: ClinVar variation 1523095 (VCV001523095.7), dbSNP rs201174948, ClinGen allele CA10321105.